The following is an entry in ClinVar:

NM_000052.7(ATP7A):c.1744A>G (p.Ile582Val)

Gene: ATP7A (ATPase copper transporting alpha; plus strand). Cytogenetic location: Xq21.1.
Variant type: single nucleotide variant.
Coding change: c.1744A>G on transcript NM_000052.7 (MANE Select); coding-DNA position 1744, A replaced by G.
Protein change: p.Ile582Val; replaces isoleucine 582 with valine.
Molecular consequence: missense variant.
Genome position (GRCh38, 1-based): chrX:78,009,138, A>G. VCF-style: chrX-78009138-A-G. GRCh37 (hg19) VCF-style: chrX-77264635-A-G.
Other names: c.1744A>G, p.Ile582Val (NM_001282224.2); short protein forms I582V.
Identifiers: ClinVar variation 2231433 (VCV002231433.3), dbSNP rs2522341085, ClinGen allele CA413596931.

ClinVar aggregate classification (germline): Uncertain significance. Review status: criteria provided, multiple submitters, no conflicts (2 of 4 stars). 2 submissions from 2 submitters: Uncertain significance (2). Last evaluated 2025-06-09.

Conditions:
Cutis laxa, X-linked (OHS). Also called: Occipital horn syndrome; EDS IX. Identifiers: Orphanet 198, MedGen C0268353, MONDO:0010572, OMIM 304150.
Menkes kinky-hair syndrome (MNK). Also called: Copper transport disease; Menkes Disease; Classic Menkes Disease. Identifiers: Orphanet 565, MedGen C0022716, MONDO:0010651, OMIM 309400.
X-linked distal spinal muscular atrophy type 3. Also called: ATP7A-Related Distal Motor Neuropathy; SPINAL MUSCULAR ATROPHY, DISTAL, X-LINKED RECESSIVE; NEURONOPATHY, DISTAL HEREDITARY MOTOR, X-LINKED; NEUROPATHY, DISTAL HEREDITARY MOTOR, X-LINKED. Identifiers: Orphanet 139557, MedGen C1845359, MONDO:0010338, OMIM 300489.
Inborn genetic diseases. Identifiers: MedGen C0950123, MeSH D030342.

Submissions (2):

Labcorp Genetics (formerly Invitae), Labcorp
Classification: Uncertain significance for X-linked distal spinal muscular atrophy type 3; Cutis laxa, X-linked; Menkes kinky-hair syndrome. Last evaluated: 2025-06-09. Review status: criteria provided, single submitter. Criteria: Invitae Variant Classification Sherloc (09022015). Collection method: clinical testing. Allele origin: germline.
Comment: This sequence change replaces isoleucine, which is neutral and non-polar, with valine, which is neutral and non-polar, at codon 582 of the ATP7A protein (p.Ile582Val). This variant is not present in population databases (gnomAD no frequency). This variant has not been reported in the literature in individuals affected with ATP7A-related conditions. ClinVar contains an entry for this variant (Variation ID: 2231433). Invitae Evidence Modeling of protein sequence and biophysical properties (such as structural, functional, and spatial information, amino acid conservation, physicochemical variation, residue mobility, and thermodynamic stability) indicates that this missense variant is not expected to disrupt ATP7A protein function with a negative predictive value of 95%. In summary, the available evidence is currently insufficient to determine the role of this variant in disease. Therefore, it has been classified as a Variant of Uncertain Significance.

Ambry Genetics
Classification: Uncertain significance for Inborn genetic diseases. Last evaluated: 2021-05-18. Review status: criteria provided, single submitter. Criteria: Ambry Variant Classification Scheme 2023. Collection method: clinical testing. Allele origin: germline.
Comment: The c.1744A>G (p.I582V) alteration is located in exon 7 (coding exon 6) of the ATP7A gene. This alteration results from a A to G substitution at nucleotide position 1744, causing the isoleucine (I) at amino acid position 582 to be replaced by a valine (V). The p.I582V alteration is predicted to be tolerated by in silico analysis. Based on insufficient or conflicting evidence, the clinical significance of this alteration remains unclear.